The following is an entry in ClinVar:

NM_014009.4(FOXP3):c.551C>T (p.Ser184Leu)

Gene: FOXP3 (forkhead box P3; minus strand). Cytogenetic location: Xp11.23.
Variant type: single nucleotide variant.
Coding change: c.551C>T on transcript NM_014009.4 (MANE Select); coding-DNA position 551, C replaced by T.
Protein change: p.Ser184Leu; replaces serine 184 with leucine.
Molecular consequence: missense variant.
Genome position (GRCh38, 1-based): chrX:49,256,847, G>A on the plus strand (C>T on the coding strand, the complement: FOXP3 is on the minus strand). VCF-style: chrX-49256847-G-A. GRCh37 (hg19) VCF-style: chrX-49113304-G-A.
Other names: c.446C>T, p.Ser149Leu (NM_001114377.2); short protein forms S184L, S149L.
Identifiers: ClinVar variation 626108 (VCV000626108.6), dbSNP rs140222626, ClinGen allele CA10411779.

ClinVar aggregate classification (germline): Conflicting classifications of pathogenicity. Review status: criteria provided, conflicting classifications (1 of 4 stars). 2 submissions from 2 submitters: Uncertain significance (1); Benign (1). Last evaluated 2026-01-21.

Conditions:
Insulin-dependent diabetes mellitus secretory diarrhea syndrome (IPEX). Also called: IMMUNODEFICIENCY, POLYENDOCRINOPATHY, AND ENTEROPATHY, X-LINKED; Immunodysregulation, polyendocrinopathy, and enteropathy, X-linked; X-Linked Autoimmunity-Allergic Dysregulation Syndrome; IPEX and IPEX-Like; DIABETES MELLITUS, CONGENITAL INSULIN-DEPENDENT, WITH FATAL SECRETORY DIARRHEA; DIARRHEA, POLYENDOCRINOPATHY, FATAL INFECTION SYNDROME, X-LINKED. Identifiers: Orphanet 37042, MedGen C0342288, MONDO:0010580, OMIM 304790. Disease mechanism: loss of function.

Allele frequency attached by ClinVar (database versions not stated): gnomAD exomes 0.00002 and 0.00004; ExAC 0.00006; TOPMed 0.00010; gnomAD 0.00011; ESP Exome Variant Server 0.00019.
gnomAD v4.1: 34 of 1,210,334 alleles (0.0028%); highest among the groups gnomAD compares: African/African-American, 0.026%; no homozygotes.

Submissions (2):

Labcorp Genetics (formerly Invitae), Labcorp
Classification: Benign for Insulin-dependent diabetes mellitus secretory diarrhea syndrome. Last evaluated: 2026-01-21. Review status: criteria provided, single submitter. Criteria: Invitae Variant Classification Sherloc (09022015). Collection method: clinical testing. Allele origin: germline.

Center for Genomics, Ann and Robert H. Lurie Children's Hospital of Chicago
Classification: Uncertain significance for Insulin-dependent diabetes mellitus secretory diarrhea syndrome. Last evaluated: 2021-03-30. Review status: criteria provided, single submitter. Criteria: ACMG Guidelines, 2015. Collection method: clinical testing. Allele origin: germline.
Comment: FOXP3 NM_014009 exon 6 p.Ser184Leu (c.551C>T): This variant has not been reported in the literature but is present in 10/18163 African alleles including 5 hemizygotes in the Genome Aggregation Database. This variant amino acid Leucine (Leu) is present in >10 species including mammals and is not well conserved among evolutionarily distant species; this suggests that this variant may not impact the protein. Additional computational prediction tools do not suggest an impact. In summary, data on this variant is insufficient for disease classification. Therefore, the clinical significance of this variant is uncertain.